The following is an entry in ClinVar:

ClinVar aggregate classification (germline): Uncertain significance (1 of 4 stars; one submission).

Conditions:
Hereditary nonpolyposis colorectal neoplasms. Identifiers: MedGen C0009405, MeSH D003123.

Submission:

Labcorp Genetics (formerly Invitae), Labcorp
Classification: Uncertain significance for Hereditary nonpolyposis colorectal neoplasms. Last evaluated: 2021-10-28. Review status: criteria provided, single submitter. Criteria: Invitae Variant Classification Sherloc (09022015). Collection method: clinical testing. Allele origin: germline.
Comment: In summary, the available evidence is currently insufficient to determine the role of this variant in disease. Therefore, it has been classified as a Variant of Uncertain Significance. This variant has not been reported in the literature in individuals affected with PMS2-related conditions. This variant results in a copy number gain of the genomic region encompassing exon(s) 1-9 of the PMS2 gene. This region includes the initiator codon of the gene. This copy number gain extends beyond the assayed region for this gene and therefore may encompass additional genes. As the precise location of this event is unknown, it may be in tandem or it may be located elsewhere in the genome.

NC_000007.13:g.(?_6031594)_(6049099_?)dup

Genes: AIMP2 (aminoacyl tRNA synthetase complex interacting multifunctional protein 2; plus strand), PMS2 (PMS1 homolog 2, mismatch repair system component; minus strand). Cytogenetic location: 7p22.1.
Variant type: Duplication.
Identifiers: ClinVar variation 1469276 (VCV001469276.4).